The following is an entry in ClinVar:

ClinVar aggregate classification (germline): Uncertain significance (1 of 4 stars; one submission).

Submission:

Labcorp Genetics (formerly Invitae), Labcorp
Classification: Uncertain significance. Last evaluated: 2025-04-30. Review status: criteria provided, single submitter. Criteria: Invitae Variant Classification Sherloc (09022015). Collection method: clinical testing. Allele origin: germline.
Comment: This sequence change replaces valine, which is neutral and non-polar, with leucine, which is neutral and non-polar, at codon 766 of the SAMD9L protein (p.Val766Leu). This variant is not present in population databases (gnomAD no frequency). This variant has not been reported in the literature in individuals affected with SAMD9L-related conditions. Invitae Evidence Modeling of protein sequence and biophysical properties (such as structural, functional, and spatial information, amino acid conservation, physicochemical variation, residue mobility, and thermodynamic stability) has been performed for this missense variant. However, the output from this modeling did not meet the statistical confidence thresholds required to predict the impact of this variant on SAMD9L protein function. In summary, the available evidence is currently insufficient to determine the role of this variant in disease. Therefore, it has been classified as a Variant of Uncertain Significance.

NM_152703.5(SAMD9L):c.2296G>C (p.Val766Leu)

Gene: SAMD9L (sterile alpha motif domain containing 9 like; minus strand). Cytogenetic location: 7q21.2.
Variant type: single nucleotide variant.
Coding change: c.2296G>C on transcript NM_152703.5 (MANE Select); coding-DNA position 2296, G replaced by C.
Protein change: p.Val766Leu; replaces valine 766 with leucine.
Molecular consequence: missense variant.
Genome position (GRCh38, 1-based): chr7:93,133,676, C>G on the plus strand (G>C on the coding strand, the complement: SAMD9L is on the minus strand). VCF-style: chr7-93133676-C-G. GRCh37 (hg19) VCF-style: chr7-92762989-C-G.
Other names: c.2296G>C, p.Val766Leu (NM_001303496.3, NM_001303497.3, NM_001303498.3 and 5 more transcripts); short protein forms V766L.
Identifiers: ClinVar variation 4745997 (VCV004745997.1).
Genomic context (GRCh38, chr7:93,133,676, plus strand): 5'-TGACCAGATTGATCACTTGCTCTGCAATTTCTGCAAAATCAGTTGTCTTGTTTTTTAACA[C>G]AGCACATCTGAAGTTTTTCTTTAAGTCCCAGAGAACATGCATAGCCAGTGTGGTACCTCC-3'
Protein context (NP_689916.2, residues 756-776): WDLKKNFRCA[Val766Leu]LKNKTTDFAE